The following is an entry in ClinVar:

NM_000135.4(FANCA):c.1147del (p.Glu383fs)

Gene: FANCA (FA complementation group A; minus strand). Cytogenetic location: 16q24.3.
Variant type: Deletion.
Coding change: c.1147del on transcript NM_000135.4 (MANE Select); coding-DNA position 1147, one base deleted (G; older notation c.1147delG).
Protein change: p.Glu383fs; shifts the reading frame from glutamic acid 383.
Molecular consequence: frameshift variant.
Genome position (GRCh38, 1-based): chr16:89,792,005, C deleted on the plus strand (G on the coding strand, the reverse complement: FANCA is on the minus strand); the first of 2 consecutive C bases (chr16:89,792,005-89,792,006); deleting either gives the same sequence. VCF-style (leftmost placement, unchanged base first): chr16-89792004-TC-T. GRCh37 (hg19) VCF-style: chr16-89858412-TC-T.
Other names: c.1147del, p.Glu383fs (NM_001286167.3); short protein forms E383fs.
Identifiers: ClinVar variation 974006 (VCV000974006.4), dbSNP rs2040092247, ClinGen allele CA1139664965.

ClinVar aggregate classification (germline): Pathogenic. Review status: criteria provided, single submitter (1 of 4 stars). 2 submissions from 2 submitters: Pathogenic (1). 1 of the submissions does not count toward it. Last evaluated 2023-08-05.

Conditions:
Fanconi anemia (FA). Also called: Fanconi's anemia. Identifiers: Orphanet 84, MedGen C0015625, MeSH D005199, MONDO:0019391.
Fanconi anemia complementation group A (FANCA). Also called: Fanconi anemia, group A; FANCA-Related Fanconi Anemia. Identifiers: Orphanet 84, MedGen C3469521, MONDO:0009215, OMIM 227650.

Submissions (2):

Labcorp Genetics (formerly Invitae), Labcorp
Classification: Pathogenic for Fanconi anemia. Last evaluated: 2023-08-05. Review status: criteria provided, single submitter. Criteria: Invitae Variant Classification Sherloc (09022015). Collection method: clinical testing. Allele origin: germline.
Comment: This sequence change creates a premature translational stop signal (p.Glu383Argfs*32) in the FANCA gene. It is expected to result in an absent or disrupted protein product. Loss-of-function variants in FANCA are known to be pathogenic (PMID: 19367192). This variant is not present in population databases (gnomAD no frequency). This premature translational stop signal has been observed in individual(s) with Fanconi anemia (PMID: 21273304). ClinVar contains an entry for this variant (Variation ID: 974006). For these reasons, this variant has been classified as Pathogenic.

Leiden Open Variation Database
Classification: Pathogenic for Fanconi anemia complementation group A. Last evaluated: 2020-02-28. Review status: no assertion criteria provided. Collection method: curation. Allele origin: germline. Affected: yes. Not counted in ClinVar's aggregate classification.
Comment: Curator: Arleen D. Auerbach. Submitter to LOVD: Arleen D. Auerbach.

Literature cited by the submitters: PubMed 19367192 (cited by Labcorp Genetics (formerly Invitae), Labcorp); PubMed 21273304 (cited by Labcorp Genetics (formerly Invitae), Labcorp and Leiden Open Variation Database).